The following is an entry in ClinVar:

NM_002335.4(LRP5):c.244G>A (p.Val82Met)

Gene: LRP5 (LDL receptor related protein 5; plus strand). Cytogenetic location: 11q13.2.
Variant type: single nucleotide variant.
Coding change: c.244G>A on transcript NM_002335.4 (MANE Select); coding-DNA position 244, G replaced by A.
Protein change: p.Val82Met; replaces valine 82 with methionine.
Molecular consequence: missense variant. On other transcripts: 5 prime UTR variant (1).
Genome position (GRCh38, 1-based): chr11:68,347,999, G>A. VCF-style: chr11-68347999-G-A. GRCh37 (hg19) VCF-style: chr11-68115467-G-A.
Other names: c.-1522G>A (NM_001291902.2); short protein forms V82M.
Identifiers: ClinVar variation 2982526 (VCV002982526.3), dbSNP rs1287793271, ClinGen allele CA381610365.
Genomic context (GRCh38, chr11:68,347,999, plus strand): 5'-CTGGAGGATGCGGCCGCAGTGGACTTCCAGTTTTCCAAGGGAGCCGTGTACTGGACAGAC[G>A]TGAGCGAGGAGGCCATCAAGCAGACCTACCTGAACCAGACGGGGGCCGCCGTGCAGAACG-3'
Protein context (NP_002326.2, residues 72-92): FSKGAVYWTD[Val82Met]SEEAIKQTYL

ClinVar aggregate classification (germline): Uncertain significance (1 of 4 stars; one submission).

Allele frequency attached by ClinVar (database versions not stated): TOPMed below 0.00001; gnomAD 0.00001; gnomAD exomes 0.00001.
gnomAD v4.1: 10 of 1,614,064 alleles (0.00062%); highest among the groups gnomAD compares: East Asian, 0.0045%; no homozygotes.

Submission:

Labcorp Genetics (formerly Invitae), Labcorp
Classification: Uncertain significance. Last evaluated: 2024-01-29. Review status: criteria provided, single submitter. Criteria: Invitae Variant Classification Sherloc (09022015). Collection method: clinical testing. Allele origin: germline.
Comment: This sequence change replaces valine, which is neutral and non-polar, with methionine, which is neutral and non-polar, at codon 82 of the LRP5 protein (p.Val82Met). This variant is present in population databases (no rsID available, gnomAD 0.006%). This variant has not been reported in the literature in individuals affected with LRP5-related conditions. Advanced modeling of protein sequence and biophysical properties (such as structural, functional, and spatial information, amino acid conservation, physicochemical variation, residue mobility, and thermodynamic stability) performed at Invitae indicates that this missense variant is expected to disrupt LRP5 protein function with a positive predictive value of 95%. In summary, the available evidence is currently insufficient to determine the role of this variant in disease. Therefore, it has been classified as a Variant of Uncertain Significance.